The following is an entry in ClinVar:

NM_182961.4(SYNE1):c.2625C>T (p.Gly875=)

Gene: SYNE1 (spectrin repeat containing nuclear envelope protein 1; minus strand). Cytogenetic location: 6q25.2.
Variant type: single nucleotide variant.
Coding change: c.2625C>T on transcript NM_182961.4 (MANE Select); coding-DNA position 2625, C replaced by T.
Protein change: p.Gly875=; no amino-acid change (glycine 875 retained).
Molecular consequence: synonymous variant.
Genome position (GRCh38, 1-based): chr6:152,455,988, G>A on the plus strand (C>T on the coding strand, the complement: SYNE1 is on the minus strand). VCF-style: chr6-152455988-G-A. GRCh37 (hg19) VCF-style: chr6-152777123-G-A.
Other names: c.2646C>T, p.Gly882= (NM_033071.5).
Identifiers: ClinVar variation 3571971 (VCV003571971.1).

ClinVar aggregate classification (germline): Uncertain significance (1 of 4 stars; one submission).

gnomAD v4.1: 16 of 1,614,064 alleles (0.00099%); highest among the groups gnomAD compares: Non-Finnish European, 0.0014%; no homozygotes.

Submission:

Athena Diagnostics
Classification: Uncertain significance. Last evaluated: 2024-10-31. Review status: criteria provided, single submitter. Criteria: Athena Diagnostics Criteria. Collection method: clinical testing. Allele origin: unknown.
Comment: Available data are insufficient to determine the clinical significance of the variant at this time. The frequency of this variant in the general population is uninformative in assessment of its pathogenicity. Computational tools yielded predictions that this variant may result in the gain of a cryptic splice site without affecting the natural splice sites.